The following is an entry in ClinVar:

ClinVar aggregate classification (germline): Uncertain significance (1 of 4 stars; one submission).

Conditions:
Hereditary cancer-predisposing syndrome. Also called: Hereditary Cancer Syndrome; Hereditary neoplastic syndrome; Neoplastic Syndromes, Hereditary; Tumor predisposition. Identifiers: Orphanet 140162, MedGen C0027672, MeSH D009386, MONDO:0015356.

Submission:

Ambry Genetics
Classification: Uncertain significance for Hereditary cancer-predisposing syndrome. Last evaluated: 2021-03-23. Review status: criteria provided, single submitter. Criteria: Ambry Variant Classification Scheme 2023. Collection method: clinical testing. Allele origin: germline.
Comment: The p.I326F variant (also known as c.976A>T), located in coding exon 7 of the CDH1 gene, results from an A to T substitution at nucleotide position 976. The isoleucine at codon 326 is replaced by phenylalanine, an amino acid with highly similar properties. This amino acid position is highly conserved in available vertebrate species. In addition, this alteration is predicted to be deleterious by in silico analysis. Since supporting evidence is limited at this time, the clinical significance of this alteration remains unclear.

NM_004360.5(CDH1):c.976A>T (p.Ile326Phe)

Gene: CDH1 (cadherin 1; plus strand). Cytogenetic location: 16q22.1.
Variant type: single nucleotide variant.
Coding change: c.976A>T on transcript NM_004360.5 (MANE Select); coding-DNA position 976, A replaced by T.
Protein change: p.Ile326Phe; replaces isoleucine 326 with phenylalanine.
Molecular consequence: missense variant. On other transcripts: 5 prime UTR variant (2).
Genome position (GRCh38, 1-based): chr16:68,811,827, A>T. VCF-style: chr16-68811827-A-T. GRCh37 (hg19) VCF-style: chr16-68845730-A-T.
Other names: c.976A>T, p.Ile326Phe (NM_001317184.2); c.-640A>T (NM_001317185.2); c.-844A>T (NM_001317186.2); short protein forms I326F.
Identifiers: ClinVar variation 1768129 (VCV001768129.2), dbSNP rs1567506764, ClinGen allele CA396459845.